The following is an entry in ClinVar:

NM_004629.2(FANCG):c.306A>T (p.Arg102Ser)

Gene: FANCG (FA complementation group G; minus strand). Cytogenetic location: 9p13.3.
Variant type: single nucleotide variant.
Coding change: c.306A>T on transcript NM_004629.2 (MANE Select); coding-DNA position 306, A replaced by T.
Protein change: p.Arg102Ser; replaces arginine 102 with serine.
Molecular consequence: missense variant.
Genome position (GRCh38, 1-based): chr9:35,078,606, T>A on the plus strand (A>T on the coding strand, the complement: FANCG is on the minus strand). VCF-style: chr9-35078606-T-A. GRCh37 (hg19) VCF-style: chr9-35078603-T-A.
Other names: short protein forms R102S.
Identifiers: ClinVar variation 4870980 (VCV004870980.1).

ClinVar aggregate classification (germline): Uncertain significance (1 of 4 stars; one submission).

Conditions:
Inborn genetic diseases. Identifiers: MedGen C0950123, MeSH D030342.

Submission:

Ambry Genetics
Classification: Uncertain significance for Inborn genetic diseases. Last evaluated: 2026-03-29. Review status: criteria provided, single submitter. Criteria: Ambry Variant Classification Scheme 2023. Collection method: clinical testing. Allele origin: germline.
Comment: The p.R102S variant (also known as c.306A>T), located in coding exon 3 of the FANCG gene, results from an A to T substitution at nucleotide position 306. The arginine at codon 102 is replaced by serine, an amino acid with dissimilar properties. This amino acid position is conserved. In addition, this alteration is predicted to be deleterious by in silico analysis. Based on the available evidence, the clinical significance of this variant remains unclear.